The following is an entry in ClinVar:

NM_002109.6(HARS1):c.1213C>T (p.Arg405Trp)

Gene: HARS1 (histidyl-tRNA synthetase 1; minus strand). Cytogenetic location: 5q31.3.
Variant type: single nucleotide variant.
Coding change: c.1213C>T on transcript NM_002109.6 (MANE Select); coding-DNA position 1213, C replaced by T.
Protein change: p.Arg405Trp; replaces arginine 405 with tryptophan.
Molecular consequence: missense variant.
Genome position (GRCh38, 1-based): chr5:140,675,115, G>A on the plus strand (C>T on the coding strand, the complement: HARS1 is on the minus strand). VCF-style: chr5-140675115-G-A. GRCh37 (hg19) VCF-style: chr5-140054700-G-A.
Other names: c.1093C>T, p.Arg365Trp (NM_001258040.3); c.1153C>T, p.Arg385Trp (NM_001258041.3); c.1033C>T, p.Arg345Trp (NM_001258042.3); c.991C>T, p.Arg331Trp (NM_001289092.2); c.871C>T, p.Arg291Trp (NM_001289093.2); c.1126C>T, p.Arg376Trp (NM_001289094.2); short protein forms R291W, R331W, R345W, R365W, R376W, R385W, R405W.
Identifiers: ClinVar variation 1680293 (VCV001680293.8), dbSNP rs908109064, ClinGen allele CA128376808.

ClinVar aggregate classification (germline): Uncertain significance. Review status: criteria provided, multiple submitters, no conflicts (2 of 4 stars). 2 submissions from 2 submitters: Uncertain significance (2). Last evaluated 2024-01-11.

Conditions:
Usher syndrome type 3B. Also called: USHER SYNDROME, TYPE IIIB. Identifiers: MedGen C3281066, MONDO:0013788, OMIM 614504.

Allele frequency attached by ClinVar (database versions not stated): gnomAD exomes below 0.00001.

Submissions (2):

Labcorp Genetics (formerly Invitae), Labcorp
Classification: Uncertain significance for Usher syndrome type 3B. Last evaluated: 2024-01-11. Review status: criteria provided, single submitter. Criteria: Invitae Variant Classification Sherloc (09022015). Collection method: clinical testing. Allele origin: germline.
Comment: This sequence change replaces arginine, which is basic and polar, with tryptophan, which is neutral and slightly polar, at codon 405 of the HARS protein (p.Arg405Trp). The frequency data for this variant in the population databases is considered unreliable, as metrics indicate poor data quality at this position in the gnomAD database. This variant has not been reported in the literature in individuals affected with HARS-related conditions. ClinVar contains an entry for this variant (Variation ID: 1680293). Advanced modeling of protein sequence and biophysical properties (such as structural, functional, and spatial information, amino acid conservation, physicochemical variation, residue mobility, and thermodynamic stability) performed at Invitae indicates that this missense variant is expected to disrupt HARS protein function with a positive predictive value of 80%. In summary, the available evidence is currently insufficient to determine the role of this variant in disease. Therefore, it has been classified as a Variant of Uncertain Significance.

Ambry Genetics
Classification: Uncertain significance. Last evaluated: 2020-06-15. Review status: criteria provided, single submitter. Criteria: Ambry Variant Classification Scheme 2023. Collection method: clinical testing. Allele origin: germline.
Comment: The p.R405W variant (also known as c.1213C>T), located in coding exon 11 of the HARS gene, results from a C to T substitution at nucleotide position 1213. The arginine at codon 405 is replaced by tryptophan, an amino acid with dissimilar properties. This amino acid position is highly conserved in available vertebrate species. In addition, this alteration is predicted to be deleterious by in silico analysis. Since supporting evidence is limited at this time, the clinical significance of this alteration remains unclear.